The following is an entry in ClinVar:

NM_001278689.2(EOGT):c.1498G>A (p.Glu500Lys)

Gene: EOGT (EGF domain specific O-linked N-acetylglucosamine transferase; minus strand). Cytogenetic location: 3p14.1.
Variant type: single nucleotide variant.
Coding change: c.1498G>A on transcript NM_001278689.2 (MANE Select); coding-DNA position 1498, G replaced by A.
Protein change: p.Glu500Lys; replaces glutamic acid 500 with lysine.
Molecular consequence: missense variant. On other transcripts: non-coding transcript variant (1).
Genome position (GRCh38, 1-based): chr3:68,977,704, C>T on the plus strand (G>A on the coding strand, the complement: EOGT is on the minus strand). VCF-style: chr3-68977704-C-T. GRCh37 (hg19) VCF-style: chr3-69026855-C-T.
Other names: c.1246G>A, p.Glu416Lys (NM_173654.3); short protein forms E416K, E500K.
Identifiers: ClinVar variation 3049403 (VCV003049403.2), dbSNP rs947918120, ClinGen allele CA76432928.

ClinVar aggregate classification (germline): Uncertain significance (0 of 4 stars; one submission).

Conditions:
EOGT-related disorder. Also called: EOGT-related condition.

Allele frequency attached by ClinVar (database versions not stated): TOPMed below 0.00001.

Submission:

PreventionGenetics, part of Exact Sciences
Classification: Uncertain significance for EOGT-related condition. Last evaluated: 2024-08-23. Review status: no assertion criteria provided. Collection method: clinical testing. Allele origin: germline.
Comment: The EOGT c.1246G>A variant is predicted to result in the amino acid substitution p.Glu416Lys. To our knowledge, this variant has not been reported in the literature or in a large population database, indicating this variant is rare. At this time, the clinical significance of this variant is uncertain due to the absence of conclusive functional and genetic evidence.